The following is an entry in ClinVar:

ClinVar aggregate classification (germline): Likely pathogenic. Review status: criteria provided, multiple submitters, no conflicts (2 of 4 stars). 2 submissions from 2 submitters: Likely pathogenic (2). Last evaluated 2023-09-26.

Conditions:
Pyruvate kinase deficiency of red cells (CNSHA2). Also called: PK DEFICIENCY; PYRUVATE KINASE DEFICIENCY OF ERYTHROCYTE; Pyruvate kinase deficiency, Amish type. Identifiers: Orphanet 766, MedGen C0340968, MONDO:0009950, OMIM 266200.

Allele frequency attached by ClinVar (database versions not stated): TOPMed below 0.00001; gnomAD 0.00001.

Submissions (2):

Revvity Omics, Revvity
Classification: Likely pathogenic. Last evaluated: 2023-09-26. Review status: criteria provided, single submitter. Criteria: ACMG Guidelines, 2015. Collection method: clinical testing. Allele origin: germline.

Victorian Clinical Genetics Services, Murdoch Childrens Research Institute
Classification: Likely pathogenic for Pyruvate kinase deficiency of red cells. Last evaluated: 2021-05-06. Review status: criteria provided, single submitter. Criteria: ACMG Guidelines, 2015. Collection method: clinical testing. Allele origin: germline. Inheritance: Autosomal recessive inheritance. Affected: yes.
Comment: Based on the classification scheme VCGS_Germline_v1.3.4, this variant is classified as Likely pathogenic. Following criteria are met: 0102 - Loss of function is a known mechanism of disease in this gene and is associated with pyruvate kinase deficiency (MIM#266200). (I) 0108 - This gene is associated with both recessive and dominant disease. Both dominant elevated adenosine triphosphate of erythrocytes (MIM#102900) and recessive pyruvate kinase deficiency (MIM#266200) have been associated with PKLR. However, most of the literature reports associate with the recessive condition. (I) 0211 - Canonical splice site variant without proven consequence on splicing (no functional evidence available). (SP) 0251 - This variant is heterozygous. (I) 0304 - Variant is present in gnomAD (v3) <0.01 for a recessive condition (1 heterozygote, 0 homozygotes). (SP) 0505 - Abnormal splicing is predicted by in silico tools and affected nucleotide is highly conserved. (SP) 0703 - Two other canonical splice variants (c.1618+1G>C and c.1618+2T>C) comparable to the one identified in this case have moderate previous evidence for pathogenicity associated with pyruvate kindase deficiency (MIM#266200) (PMID:17382129, 32043619).(SP) 0807 - This variant has no previous evidence of pathogenicity. (I) 0905 - No published segregation evidence has been identified for this variant. (I) 1007 - No published functional evidence has been identified for this variant. (I) 1208 - Inheritance information for this variant is not currently available in this individual. (I) Legend: (SP) - Supporting pathogenic, (I) - Information, (SB) - Supporting benign

Literature cited by the submitters: PubMed 17382129 (cited by Victorian Clinical Genetics Services, Murdoch Childrens Research Institute); PubMed 32043619 (cited by Victorian Clinical Genetics Services, Murdoch Childrens Research Institute).

NM_000298.6(PKLR):c.1618+1G>A

Gene: PKLR (pyruvate kinase L/R; minus strand). Cytogenetic location: 1q22.
Variant type: single nucleotide variant.
Coding change: c.1618+1G>A on transcript NM_000298.6 (MANE Select); the canonical splice donor site of the intron after coding-DNA position 1618, G replaced by A.
Molecular consequence: splice donor variant.
Genome position (GRCh38, 1-based): chr1:155,291,755, C>T on the plus strand (G>A on the coding strand, the complement: PKLR is on the minus strand). VCF-style: chr1-155291755-C-T. GRCh37 (hg19) VCF-style: chr1-155261546-C-T.
Other names: c.1525+1G>A (NM_181871.4).
Identifiers: ClinVar variation 2432716 (VCV002432716.4), dbSNP rs908690172, ClinGen allele CA30900207.